The following is an entry in ClinVar:

ClinVar aggregate classification (germline): Uncertain significance. Review status: criteria provided, multiple submitters, no conflicts (2 of 4 stars). 2 submissions from 2 submitters: Uncertain significance (2). Last evaluated 2022-04-19.

Conditions:
Inborn genetic diseases. Identifiers: MedGen C0950123, MeSH D030342.

Allele frequency attached by ClinVar (database versions not stated): ExAC 0.00010; 1000 Genomes Project 30x 0.00016; 1000 Genomes Project 0.00020; ESP Exome Variant Server 0.00025.

Submissions (2):

Labcorp Genetics (formerly Invitae), Labcorp
Classification: Uncertain significance. Last evaluated: 2022-04-19. Review status: criteria provided, single submitter. Criteria: Invitae Variant Classification Sherloc (09022015). Collection method: clinical testing. Allele origin: germline.
Comment: This sequence change replaces alanine, which is neutral and non-polar, with glutamic acid, which is acidic and polar, at codon 1059 of the APC2 protein (p.Ala1059Glu). This variant is present in population databases (rs199629340, gnomAD 0.1%). This variant has not been reported in the literature in individuals affected with APC2-related conditions. Algorithms developed to predict the effect of missense changes on protein structure and function are either unavailable or do not agree on the potential impact of this missense change (SIFT: "Tolerated"; PolyPhen-2: "Possibly Damaging"; Align-GVGD: "Class C0"). In summary, the available evidence is currently insufficient to determine the role of this variant in disease. Therefore, it has been classified as a Variant of Uncertain Significance.

Ambry Genetics
Classification: Uncertain significance for Inborn genetic diseases. Last evaluated: 2021-07-26. Review status: criteria provided, single submitter. Criteria: Ambry Variant Classification Scheme 2023. Collection method: clinical testing. Allele origin: germline.

NM_005883.3(APC2):c.3176C>A (p.Ala1059Glu)

Gene: APC2 (APC regulator of WNT signaling pathway 2; plus strand). Cytogenetic location: 19p13.3.
Variant type: single nucleotide variant.
Coding change: c.3176C>A on transcript NM_005883.3 (MANE Select); coding-DNA position 3176, C replaced by A.
Protein change: p.Ala1059Glu; replaces alanine 1059 with glutamic acid.
Molecular consequence: missense variant.
Genome position (GRCh38, 1-based): chr19:1,466,477, C>A. VCF-style: chr19-1466477-C-A. GRCh37 (hg19) VCF-style: chr19-1466476-C-A.
Other names: c.3173C>A, p.Ala1058Glu (NM_001351273.1); c.3176C>A (NM_005883.2); short protein forms A1058E, A1059E.
Identifiers: ClinVar variation 2150312 (VCV002150312.2), dbSNP rs199629340, ClinGen allele CA9045642.